The following is an entry in ClinVar:

NM_012233.3(RAB3GAP1):c.8C>T (p.Ala3Val)

Gene: RAB3GAP1 (RAB3 GTPase activating protein catalytic subunit 1; plus strand). Cytogenetic location: 2q21.3.
Variant type: single nucleotide variant.
Coding change: c.8C>T on transcript NM_012233.3 (MANE Select); coding-DNA position 8, C replaced by T.
Protein change: p.Ala3Val; replaces alanine 3 with valine.
Molecular consequence: missense variant.
Genome position (GRCh38, 1-based): chr2:135,052,315, C>T. VCF-style: chr2-135052315-C-T. GRCh37 (hg19) VCF-style: chr2-135809885-C-T.
Other names: c.8C>T, p.Ala3Val (NM_001172435.2); short protein forms A3V.
Identifiers: ClinVar variation 4528111 (VCV004528111.1).
Genomic context (GRCh38, chr2:135,052,315, plus strand): 5'-CTCTTTCGCTCTTCTTCCCGGCAGCCTTAGCGCCAGGCCCGGCGCTCCTCAAGATGGCTG[C>T]CGACAGTGAGGTGATTTCTTTGCTCCCTACTTAATCCTTGTCACTATCTAAATTCGTTCC-3'
Protein context (NP_036365.1, residues 1-13): MA[Ala3Val]DSEPESEVFE

ClinVar aggregate classification (germline): Uncertain significance (1 of 4 stars; one submission).

gnomAD v4.1: 14 of 1,613,724 alleles (0.00087%); highest among the groups gnomAD compares: African/African-American, 0.004%; no homozygotes.

Submission:

GeneDx
Classification: Uncertain significance. Last evaluated: 2025-05-05. Review status: criteria provided, single submitter. Criteria: GeneDx Variant Classification Process June 2021. Collection method: clinical testing. Allele origin: germline. Affected: yes.
Comment: Not observed at significant frequency in large population cohorts (gnomAD); In silico analysis suggests that this missense variant does not alter protein structure/function; Has not been previously published as pathogenic or benign to our knowledge